The following is an entry in ClinVar:

NM_001267550.2(TTN):c.90890T>A (p.Phe30297Tyr)

Genes: TTN (titin; minus strand), TTN-AS1 (TTN antisense RNA 1; plus strand). Cytogenetic location: 2q31.2.
Variant type: single nucleotide variant.
Coding change: c.90890T>A on transcript NM_001267550.2 (MANE Select); coding-DNA position 90890, T replaced by A.
Protein change: p.Phe30297Tyr; replaces phenylalanine 30297 with tyrosine.
Molecular consequence: missense variant.
Genome position (GRCh38, 1-based): chr2:178,552,010, A>T on the plus strand (T>A on the coding strand, the complement: TTN is on the minus strand). VCF-style: chr2-178552010-A-T. GRCh37 (hg19) VCF-style: chr2-179416737-A-T.
Other names: c.85967T>A, p.Phe28656Tyr (NM_001256850.1); c.63695T>A, p.Phe21232Tyr (NM_003319.4); c.83186T>A, p.Phe27729Tyr (NM_133378.4); c.64070T>A, p.Phe21357Tyr (NM_133432.3); c.64271T>A, p.Phe21424Tyr (NM_133437.4); short protein forms F30297Y, F21424Y, F27729Y, F28656Y, F21357Y, F21232Y.
Identifiers: ClinVar variation 191131 (VCV000191131.2), dbSNP rs786205537, ClinGen allele CA236080.

ClinVar aggregate classification (germline): Uncertain significance. Review status: criteria provided, single submitter (1 of 4 stars). 2 submissions from 1 submitter: Uncertain significance (1). 1 of the submissions does not count toward it. Last evaluated 2024-03-26.

Conditions:
Dilated cardiomyopathy 1G (CMD1G). Identifiers: Orphanet 154, MedGen C1858763, MONDO:0011400, OMIM 604145.

Submissions (2):

Genomic Medicine Center of Excellence, King Faisal Specialist Hospital and Research Centre
Classification: Uncertain significance for Dilated cardiomyopathy 1G. Last evaluated: 2024-03-26. Review status: criteria provided, single submitter. Criteria: ACMG Guidelines, 2015. Collection method: clinical testing. Allele origin: germline.

Genomic Medicine Center of Excellence, King Faisal Specialist Hospital and Research Centre
Classification: Likely pathogenic. Review status: flagged submission. Criteria: ACMG Guidelines, 2015. Collection method: research. Allele origin: germline. Affected: yes. Not counted in ClinVar's aggregate classification.
ClinVar note: Reason: This record appears to be redundant with a more recent record from the same submitter.
ClinVar note: Notes: SCV000221508 appears to be redundant with SCV004807164.